The following is an entry in ClinVar:

ClinVar aggregate classification (germline): Uncertain significance (1 of 4 stars; one submission).

Conditions:
Retinoblastoma (RB1). Also called: RETINOBLASTOMA, SOMATIC. Identifiers: Orphanet 790, MedGen C0035335, MeSH D012175, MONDO:0008380, OMIM 180200, HP:0009919. Disease mechanism: loss of function. Inheritance: Both sporadic and heritable forms are tested..

gnomAD v4.1: 7 of 1,202,008 alleles (0.00058%); highest among the groups gnomAD compares: East Asian, 0.0032%; no homozygotes.

Submission:

Labcorp Genetics (formerly Invitae), Labcorp
Classification: Uncertain significance for Retinoblastoma. Last evaluated: 2025-09-23. Review status: criteria provided, single submitter. Criteria: Invitae Variant Classification Sherloc (09022015). Collection method: clinical testing. Allele origin: germline.
Comment: This variant occurs in a non-coding region of the RB1 gene. It does not change the encoded amino acid sequence of the RB1 protein. This variant is present in population databases (no rsID available, gnomAD 0.01%). This variant has not been reported in the literature in individuals affected with RB1-related conditions. In summary, the available evidence is currently insufficient to determine the role of this variant in disease. Therefore, it has been classified as a Variant of Uncertain Significance.

NM_000321.3(RB1):c.-156C>T

Gene: RB1 (RB transcriptional corepressor 1; plus strand). Cytogenetic location: 13q14.2.
Variant type: single nucleotide variant.
Coding change: c.-156C>T on transcript NM_000321.3 (MANE Select); 156 bases upstream of the start codon, C replaced by T.
Molecular consequence: 5 prime UTR variant.
Genome position (GRCh38, 1-based): chr13:48,303,757, C>T. VCF-style: chr13-48303757-C-T. GRCh37 (hg19) VCF-style: chr13-48877893-C-T.
Other names: c.-156C>T (NM_001407165.1, NM_001407166.1, NM_001407167.1).
Identifiers: ClinVar variation 4806541 (VCV004806541.1).
Genomic context (GRCh38, chr13:48,303,757, plus strand): 5'-GGACGTGACGCCGCGGGCGGAAGTGACGTTTTCCCGCGGTTGGACGCGGCGCTCAGTTGC[C>T]GGGCGGGGGAGGGCGCGTCCGGTTTTTCTCAGGGGACGTTGAAATTATTTTTGTAACGGG-3'